The following is an entry in ClinVar:

NM_000218.3(KCNQ1):c.1514+37575_1514+37600dup

Genes: KCNQ1 (potassium voltage-gated channel subfamily Q member 1; plus strand), KCNQ1OT1 (KCNQ1 opposite strand/antisense transcript 1; minus strand). Cytogenetic location: 11p15.5.
Variant type: Duplication.
Coding change: c.1514+37575_1514+37600dup on transcript NM_000218.3 (MANE Select); bases 37575 to 37600 of the intron after coding-DNA position 1514, 26 bases duplicated (GAACCCCCGGGGAGAACCGCGCCGAA).
Molecular consequence: intron variant. On other transcripts: non-coding transcript variant (1).
Genome position (GRCh38, 1-based): chr11:2,699,656-2,699,681, GAACCCCCGGGGAGAACCGCGCCGAA duplicated; duplicating any 26 consecutive bases within chr11:2,699,644-2,699,681 gives the same sequence; the c. name uses the placement nearest the transcript's 3' end. VCF-style (leftmost placement, unchanged base first): chr11-2699643-C-CAACCGCGCCGAAGAACCCCCGGGGAG. GRCh37 (hg19) VCF-style: chr11-2720873-C-CAACCGCGCCGAAGAACCCCCGGGGAG.
Other names: c.1244+37575_1244+37600dup (NM_001406837.1); c.1418+37575_1418+37600dup (NM_001406836.1); c.974+37575_974+37600dup (NM_001406838.1); c.1133+37575_1133+37600dup (NM_181798.2).
Identifiers: ClinVar variation 2641502 (VCV002641502.24), dbSNP rs1295518153, ClinGen allele CA597443071.

ClinVar aggregate classification (germline): Benign (1 of 4 stars; one submission).

Submission:

CeGaT Center for Human Genetics Tuebingen
Classification: Benign. Last evaluated: 2026-09-01. Review status: criteria provided, single submitter. Criteria: CeGaT Center For Human Genetics Tuebingen Variant Classification Criteria Version 2. Collection method: clinical testing. Allele origin: germline. Affected: yes. Observed: 5 variant alleles.
Comment: KCNQ1OT1: BS1, BS2